The following is an entry in ClinVar:

ClinVar aggregate classification (germline): Uncertain significance. Review status: criteria provided, multiple submitters, no conflicts (2 of 4 stars). 2 submissions from 2 submitters: Uncertain significance (2). Last evaluated 2024-09-22.

Conditions:
Inborn genetic diseases. Identifiers: MedGen C0950123, MeSH D030342.

Allele frequency attached by ClinVar (database versions not stated): gnomAD exomes below 0.00001; TOPMed below 0.00001; gnomAD 0.00002.
gnomAD v4.1: 7 of 1,613,874 alleles (0.00043%); highest among the groups gnomAD compares: African/African-American, 0.008%; no homozygotes.

Submissions (2):

GeneDx
Classification: Uncertain significance. Last evaluated: 2024-09-22. Review status: criteria provided, single submitter. Criteria: GeneDx Variant Classification Process June 2021. Collection method: clinical testing. Allele origin: germline. Affected: yes.
Comment: In silico analysis indicates that this missense variant does not alter protein structure/function; Has not been previously published as pathogenic or benign to our knowledge

Ambry Genetics
Classification: Uncertain significance for Inborn genetic diseases. Last evaluated: 2022-09-06. Review status: criteria provided, single submitter. Criteria: Ambry Variant Classification Scheme 2023. Collection method: clinical testing. Allele origin: germline.

NM_020987.5(ANK3):c.5201G>A (p.Gly1734Glu)

Gene: ANK3 (ankyrin 3; minus strand). Cytogenetic location: 10q21.2.
Variant type: single nucleotide variant.
Coding change: c.5201G>A on transcript NM_020987.5 (MANE Select); coding-DNA position 5201, G replaced by A.
Protein change: p.Gly1734Glu; replaces glycine 1734 with glutamic acid.
Molecular consequence: missense variant. On other transcripts: intron variant (4).
Genome position (GRCh38, 1-based): chr10:60,075,680, C>T on the plus strand (G>A on the coding strand, the complement: ANK3 is on the minus strand). VCF-style: chr10-60075680-C-T. GRCh37 (hg19) VCF-style: chr10-61835438-C-T.
Other names: c.4387+4857G>A (NM_001204403.2); c.4408+4857G>A (NM_001204404.2); c.4405+4857G>A (NM_001320874.2); c.1807+4857G>A (NM_001149.4); short protein forms G1734E.
Identifiers: ClinVar variation 2310465 (VCV002310465.3), dbSNP rs1353989454, ClinGen allele CA377016028.
Genomic context (GRCh38, chr10:60,075,680, plus strand): 5'-GAGCTCACAGAGTTTGTAGCAGAAGAAATTTTTTCCTGTAACGTGGCAGTGGCTTTGCAT[C>T]CATTAATTAAAGTTGAGGATGATGGATATTTTAGAGGGGAAATAGATCCATTGACTAATG-3'
Protein context (NP_066267.2, residues 1724-1744): KYPSSSTLIN[Gly1734Glu]CKATATLQEK